The following is an entry in ClinVar:

ClinVar aggregate classification (germline): Uncertain significance (1 of 4 stars; one submission).

Submission:

Ambry Genetics
Classification: Uncertain significance. Last evaluated: 2023-09-20. Review status: criteria provided, single submitter. Criteria: Ambry Variant Classification Scheme 2023. Collection method: clinical testing. Allele origin: germline.
Comment: The p.P441A variant (also known as c.1321C>G), located in coding exon 5 of the PALLD gene, results from a C to G substitution at nucleotide position 1321. The proline at codon 441 is replaced by alanine, an amino acid with highly similar properties. This amino acid position is conserved. In addition, this alteration is predicted to be deleterious by in silico analysis. Since supporting evidence is limited at this time, the clinical significance of this alteration remains unclear.

NM_001166108.2(PALLD):c.1321C>G (p.Pro441Ala)

Gene: PALLD (palladin, cytoskeletal associated protein; plus strand). Cytogenetic location: 4q32.3.
Variant type: single nucleotide variant.
Coding change: c.1321C>G on transcript NM_001166108.2 (MANE Select); coding-DNA position 1321, C replaced by G.
Protein change: p.Pro441Ala; replaces proline 441 with alanine.
Molecular consequence: missense variant.
Genome position (GRCh38, 1-based): chr4:168,685,545, C>G. VCF-style: chr4-168685545-C-G. GRCh37 (hg19) VCF-style: chr4-169606696-C-G.
Other names: c.175C>G, p.Pro59Ala (NM_001166109.2); c.1321C>G, p.Pro441Ala (NM_016081.4); short protein forms P441A, P59A.
Identifiers: ClinVar variation 3226725 (VCV003226725.1), dbSNP rs1781947254, ClinGen allele CA358794500.